The following is an entry in ClinVar:

NM_000535.7(PMS2):c.2275+3A>G

Gene: PMS2 (PMS1 homolog 2, mismatch repair system component; minus strand). Cytogenetic location: 7p22.1.
Variant type: single nucleotide variant.
Coding change: c.2275+3A>G on transcript NM_000535.7 (MANE Select); 3 bases into the intron after coding-DNA position 2275, A replaced by G.
Molecular consequence: intron variant.
Genome position (GRCh38, 1-based): chr7:5,978,593, T>C on the plus strand (A>G on the coding strand, the complement: PMS2 is on the minus strand). VCF-style: chr7-5978593-T-C. GRCh37 (hg19) VCF-style: chr7-6018224-T-C.
Other names: c.1957+3A>G (NM_001322008.2, NM_001322007.2); c.1714+3A>G (NM_001322010.2); c.1870+3A>G (NM_001322004.2, NM_001322003.2, NM_001322009.2 and 1 more transcripts); c.1702+3A>G (NM_001322013.2); c.1342+3A>G (NM_001322012.2, NM_001322011.2); c.1966+3A>G (NM_001322015.2); c.2119+3A>G (NM_001322006.2); c.2275+3A>G (NM_001322014.2).
Identifiers: ClinVar variation 1788840 (VCV001788840.2), dbSNP rs2535384816, ClinGen allele CA2580076819.
Genomic context (GRCh38, chr7:5,978,593, plus strand): 5'-AGTGCTGGGATTACAGACGTGAGCCACCACACCCAGCCGCTATAGTTCTAATTAATAACT[T>C]ACCATTTTCATCGATAACAAAATCAAAGCCATTCTTTCTAAATATTTCCAGATTTTCTAT-3'

ClinVar aggregate classification (germline): Uncertain significance (1 of 4 stars; one submission).

Conditions:
Hereditary cancer-predisposing syndrome. Also called: Hereditary Cancer Syndrome; Hereditary neoplastic syndrome; Tumor predisposition; Neoplastic Syndromes, Hereditary. Identifiers: Orphanet 140162, MedGen C0027672, MeSH D009386, MONDO:0015356.

Submission:

Ambry Genetics
Classification: Uncertain significance for Hereditary cancer-predisposing syndrome. Last evaluated: 2022-02-02. Review status: criteria provided, single submitter. Criteria: Ambry Variant Classification Scheme 2023. Collection method: clinical testing. Allele origin: germline.
Comment: The c.2275+3A>G intronic variant results from an A to G substitution 3 nucleotides after coding exon 13 in the PMS2 gene. This nucleotide position is not well conserved in available vertebrate species. In silico splice site analysis predicts that this alteration will not have any significant effect on splicing. Since supporting evidence is limited at this time, the clinical significance of this alteration remains unclear.